The following is an entry in ClinVar:

NM_000503.6(EYA1):c.1475+6del

Gene: EYA1 (EYA transcriptional coactivator and phosphatase 1; minus strand). Cytogenetic location: 8q13.3.
Variant type: Deletion.
Coding change: c.1475+6del on transcript NM_000503.6 (MANE Select); 6 bases into the intron after coding-DNA position 1475, one base deleted (G; older notation c.1475+6delG).
Molecular consequence: intron variant.
Genome position (GRCh38, 1-based): chr8:71,215,608, C deleted on the plus strand (G on the coding strand, the reverse complement: EYA1 is on the minus strand); the first of 2 consecutive C bases (chr8:71,215,608-71,215,609); deleting either gives the same sequence. VCF-style (leftmost placement, unchanged base first): chr8-71215607-GC-G. GRCh37 (hg19) VCF-style: chr8-72127842-GC-G.
Other names: c.1454+6del (NM_001370336.1); c.1562+6del (NM_001370333.1); c.1475+6del (NM_001370335.1, NM_001370334.1, NM_172058.4); c.1457+6del (NM_172059.5, NM_001288574.2); c.1376+6del (NM_001411797.1, NM_172060.4); c.1109+6del (NM_001288575.2); c.1475+6delG (NM_172058.3).
Identifiers: ClinVar variation 2717551 (VCV002717551.5), dbSNP rs762036776, ClinGen allele CA4779454.

ClinVar aggregate classification (germline): Uncertain significance. Review status: criteria provided, single submitter (1 of 4 stars). 2 submissions from 2 submitters: Uncertain significance (1). 1 of the submissions does not count toward it. Last evaluated 2024-07-08.

Conditions:
Melnick-Fraser syndrome (BOR). Also called: Branchiootorenal syndrome; Branchio-oto-renal syndrome; Branchiootorenal Syndrome (BORS). Identifiers: Orphanet 107, MedGen C0265234, MONDO:0007029.
EYA1-related disorder. Also called: EYA1-related condition.

Submissions (2):

Labcorp Genetics (formerly Invitae), Labcorp
Classification: Uncertain significance for Melnick-Fraser syndrome. Last evaluated: 2024-07-08. Review status: criteria provided, single submitter. Criteria: Invitae Variant Classification Sherloc (09022015). Collection method: clinical testing. Allele origin: germline.
Comment: This sequence change falls in intron 15 of the EYA1 gene. It does not directly change the encoded amino acid sequence of the EYA1 protein. It affects a nucleotide within the consensus splice site. This variant is present in population databases (rs762036776, gnomAD 0.002%). This variant has not been reported in the literature in individuals affected with EYA1-related conditions. Variants that disrupt the consensus splice site are a relatively common cause of aberrant splicing (PMID: 17576681, 9536098). Algorithms developed to predict the effect of sequence changes on RNA splicing suggest that this variant is not likely to affect RNA splicing. In summary, the available evidence is currently insufficient to determine the role of this variant in disease. Therefore, it has been classified as a Variant of Uncertain Significance.

PreventionGenetics, part of Exact Sciences
Classification: Likely benign for EYA1-related condition. Last evaluated: 2019-12-02. Review status: no assertion criteria provided. Collection method: clinical testing. Allele origin: germline. Not counted in ClinVar's aggregate classification.
Comment: This variant is classified as likely benign based on ACMG/AMP sequence variant interpretation guidelines (Richards et al. 2015 PMID: 25741868, with internal and published modifications).

Literature cited by the submitters: PubMed 17576681 (cited by Labcorp Genetics (formerly Invitae), Labcorp); PubMed 9536098 (cited by Labcorp Genetics (formerly Invitae), Labcorp).